The following is an entry in ClinVar:

ClinVar aggregate classification (germline): Conflicting classifications of pathogenicity. Review status: criteria provided, conflicting classifications (1 of 4 stars). 2 submissions from 2 submitters: Uncertain significance (1); Likely benign (1). Last evaluated 2025-04-16.

Conditions:
Inborn genetic diseases. Identifiers: MedGen C0950123, MeSH D030342.

Submissions (2):

Ambry Genetics
Classification: Likely benign for Inborn genetic diseases. Last evaluated: 2025-04-16. Review status: criteria provided, single submitter. Criteria: Ambry Variant Classification Scheme 2023. Collection method: clinical testing. Allele origin: germline.

Labcorp Genetics (formerly Invitae), Labcorp
Classification: Uncertain significance. Last evaluated: 2022-06-25. Review status: criteria provided, single submitter. Criteria: Invitae Variant Classification Sherloc (09022015). Collection method: clinical testing. Allele origin: germline.
Comment: In summary, the available evidence is currently insufficient to determine the role of this variant in disease. Therefore, it has been classified as a Variant of Uncertain Significance. Algorithms developed to predict the effect of missense changes on protein structure and function output the following: SIFT: "Tolerated"; PolyPhen-2: "Benign"; Align-GVGD: "Class C0". The proline amino acid residue is found in multiple mammalian species, which suggests that this missense change does not adversely affect protein function. This variant has not been reported in the literature in individuals affected with PCLO-related conditions. The frequency data for this variant in the population databases is considered unreliable, as metrics indicate poor data quality at this position in the gnomAD database. This sequence change replaces serine, which is neutral and polar, with proline, which is neutral and non-polar, at codon 506 of the PCLO protein (p.Ser506Pro).

NM_033026.6(PCLO):c.1516T>C (p.Ser506Pro)

Gene: PCLO (piccolo presynaptic cytomatrix protein; minus strand). Cytogenetic location: 7q21.11.
Variant type: single nucleotide variant.
Coding change: c.1516T>C on transcript NM_033026.6 (MANE Select); coding-DNA position 1516, T replaced by C.
Protein change: p.Ser506Pro; replaces serine 506 with proline.
Molecular consequence: missense variant.
Genome position (GRCh38, 1-based): chr7:83,155,125, A>G on the plus strand (T>C on the coding strand, the complement: PCLO is on the minus strand). VCF-style: chr7-83155125-A-G. GRCh37 (hg19) VCF-style: chr7-82784441-A-G.
Other names: c.1516T>C, p.Ser506Pro (NM_014510.3); c.1516T>C (NM_033026.5); short protein forms S506P.
Identifiers: ClinVar variation 2041751 (VCV002041751.5), dbSNP rs890951533, ClinGen allele CA161190901.